The following is an entry in ClinVar:

NM_002769.5(PRSS1):c.428G>T (p.Gly143Val)

Genes: PRSS1 (serine protease 1; plus strand), TRB (T cell receptor beta locus; plus strand). Cytogenetic location: 7q34.
Variant type: single nucleotide variant.
Coding change: c.428G>T on transcript NM_002769.5 (MANE Select); coding-DNA position 428, G replaced by T.
Protein change: p.Gly143Val; replaces glycine 143 with valine.
Molecular consequence: missense variant. On other transcripts: non-coding transcript variant (5).
Genome position (GRCh38, 1-based): chr7:142,752,001, G>T. VCF-style: chr7-142752001-G-T. GRCh37 (hg19) VCF-style: chr7-142459852-G-T.
Other names: short protein forms G143V.
Identifiers: ClinVar variation 2563192 (VCV002563192.2), dbSNP rs2485754842, ClinGen allele CA369609173.

ClinVar aggregate classification (germline): Uncertain significance (1 of 4 stars; one submission).

Conditions:
Hereditary pancreatitis (PCTT). Also called: Hereditary chronic pancreatitis; PRSS1-Related Hereditary Pancreatitis. Identifiers: Orphanet 676, MedGen C0238339, MONDO:0008185, OMIM 167800.

Submission:

Ambry Genetics
Classification: Uncertain significance for Hereditary pancreatitis. Last evaluated: 2023-04-11. Review status: criteria provided, single submitter. Criteria: Ambry Variant Classification Scheme 2023. Collection method: clinical testing. Allele origin: germline.
Comment: The p.G143V variant (also known as c.428G>T), located in coding exon 3 of the PRSS1 gene, results from a G to T substitution at nucleotide position 428. The glycine at codon 143 is replaced by valine, an amino acid with dissimilar properties. This amino acid position is conserved. In addition, this alteration is predicted to be deleterious by in silico analysis. Since supporting evidence is limited at this time, the clinical significance of this alteration remains unclear.